The following is an entry in ClinVar:

ClinVar aggregate classification (germline): Uncertain significance (1 of 4 stars; one submission).

Allele frequency attached by ClinVar (database versions not stated): ExAC 0.00001; gnomAD exomes 0.00001; TOPMed 0.00001; gnomAD 0.00003.
gnomAD v4.1: 20 of 1,614,104 alleles (0.0012%); highest among the groups gnomAD compares: African/African-American, 0.0053%; no homozygotes.

Submission:

Labcorp Genetics (formerly Invitae), Labcorp
Classification: Uncertain significance. Last evaluated: 2022-11-16. Review status: criteria provided, single submitter. Criteria: Invitae Variant Classification Sherloc (09022015). Collection method: clinical testing. Allele origin: germline.
Comment: In summary, the available evidence is currently insufficient to determine the role of this variant in disease. Therefore, it has been classified as a Variant of Uncertain Significance. Algorithms developed to predict the effect of missense changes on protein structure and function output the following: SIFT: "Tolerated"; PolyPhen-2: "Benign"; Align-GVGD: "Class C0". The valine amino acid residue is found in multiple mammalian species, which suggests that this missense change does not adversely affect protein function. This variant has not been reported in the literature in individuals affected with DNAH9-related conditions. This variant is present in population databases (rs777326820, gnomAD 0.008%). This sequence change replaces leucine, which is neutral and non-polar, with valine, which is neutral and non-polar, at codon 320 of the DNAH9 protein (p.Leu320Val).

NM_001372.4(DNAH9):c.958C>G (p.Leu320Val)

Gene: DNAH9 (dynein axonemal heavy chain 9; plus strand). Cytogenetic location: 17p12.
Variant type: single nucleotide variant.
Coding change: c.958C>G on transcript NM_001372.4 (MANE Select); coding-DNA position 958, C replaced by G.
Protein change: p.Leu320Val; replaces leucine 320 with valine.
Molecular consequence: missense variant.
Genome position (GRCh38, 1-based): chr17:11,617,464, C>G. VCF-style: chr17-11617464-C-G. GRCh37 (hg19) VCF-style: chr17-11520781-C-G.
Other names: short protein forms L320V.
Identifiers: ClinVar variation 1913428 (VCV001913428.5), dbSNP rs777326820, ClinGen allele CA8394721.